The following is an entry in ClinVar:

ClinVar aggregate classification (germline): Benign. Review status: criteria provided, multiple submitters, no conflicts (2 of 4 stars). 2 submissions from 2 submitters: Benign (2). Last evaluated 2026-01-25.

Conditions:
Hepatic veno-occlusive disease-immunodeficiency syndrome. Also called: Hepatic Veno-Occlusive Disease with Immunodeficiency. Identifiers: Orphanet 79124, MedGen C1856128, MONDO:0009338, OMIM 235550. Disease mechanism: loss of function.

Allele frequency attached by ClinVar (database versions not stated): 1000 Genomes Project 30x 0.00359; gnomAD 0.00460 and 0.00503; ESP Exome Variant Server 0.00538; TOPMed 0.00559; gnomAD exomes 0.00042 and 0.00133; ExAC 0.00151; 1000 Genomes Project 0.00359.
gnomAD v4.1: 1,366 of 1,613,834 alleles (0.085%); highest among the groups gnomAD compares: African/African-American, 1.5%; 12 homozygotes.

Submissions (2):

Labcorp Genetics (formerly Invitae), Labcorp
Classification: Benign for Hepatic veno-occlusive disease-immunodeficiency syndrome. Last evaluated: 2026-01-25. Review status: criteria provided, single submitter. Criteria: Invitae Variant Classification Sherloc (09022015). Collection method: clinical testing. Allele origin: germline.

Illumina Laboratory Services, Illumina
Classification: Benign for Hepatic veno-occlusive disease-immunodeficiency syndrome. Last evaluated: 2017-04-27. Review status: criteria provided, single submitter. Criteria: ICSL Variant Classification Criteria 13 December 2019. Collection method: clinical testing. Allele origin: germline.
Comment: This variant was observed as part of a predisposition screen in an ostensibly healthy population. A literature search was performed for the gene, cDNA change, and amino acid change (where applicable). Publications were found based on this search. The evidence from the literature, in combination with allele frequency data from public databases where available, was sufficient to rule this variant out of causing disease. Therefore, this variant is classified as benign.

Literature cited by the submitters: PubMed 19780822 (cited by Illumina Laboratory Services, Illumina).

NM_080424.4(SP110):c.1130-11A>G

Genes: SP110 (SP110 nuclear body protein; minus strand), SP140 (SP140 nuclear body protein; plus strand). Cytogenetic location: 2q37.1.
Variant type: single nucleotide variant.
Coding change: c.1130-11A>G on transcript NM_080424.4 (MANE Select); 11 bases into the intron before coding-DNA position 1130, A replaced by G.
Molecular consequence: intron variant.
Genome position (GRCh38, 1-based): chr2:230,186,154, T>C on the plus strand (A>G on the coding strand, the complement: SP110 is on the minus strand). VCF-style: chr2-230186154-T-C. GRCh37 (hg19) VCF-style: chr2-231050870-T-C.
Other names: c.1148-11A>G (NM_001378446.1, NM_001378445.1, NM_001378442.1 and 2 more transcripts); c.1130-11A>G (NM_004509.5, NM_001378443.1, NM_004510.4); c.980-11A>G (NM_001378447.1).
Identifiers: ClinVar variation 898426 (VCV000898426.12), dbSNP rs41547617, ClinGen allele CA2154600.